The following is an entry in ClinVar:

ClinVar aggregate classification (germline): Pathogenic. Review status: criteria provided, multiple submitters, no conflicts (2 of 4 stars). 4 submissions from 4 submitters: Pathogenic (3). 1 of the submissions does not count toward it. Last evaluated 2022-01-14.

Conditions:
COL5A1-related disorders.
Ehlers-Danlos syndrome, classic type, 1 (EDSCL1). Also called: EHLERS-DANLOS SYNDROME, GRAVIS TYPE; EHLERS-DANLOS SYNDROME, SEVERE CLASSIC TYPE; EDS I; Ehlers-Danlos syndrome, type 1; Ehlers-Danlos Syndrome, Classic Type, COL5A1-Related. Identifiers: MedGen C0268335, MONDO:0019567, OMIM 130000.

Allele frequency attached by ClinVar (database versions not stated): gnomAD exomes below 0.00001; ExAC 0.00001.
gnomAD v4.1: 4 of 1,613,210 alleles (0.00025%); highest among the groups gnomAD compares: Non-Finnish European, 0.00034%; no homozygotes.

Submissions (4):

Labcorp Genetics (formerly Invitae), Labcorp
Classification: Pathogenic for Ehlers-Danlos syndrome, classic type, 1. Last evaluated: 2022-01-14. Review status: criteria provided, single submitter. Criteria: Invitae Variant Classification Sherloc (09022015). Collection method: clinical testing. Allele origin: germline.
Comment: For these reasons, this variant has been classified as Pathogenic. Studies have shown that this variant results in skipping of exon 33, but is expected to preserve the integrity of the reading-frame (PMID: 9683580). ClinVar contains an entry for this variant (Variation ID: 17188). This variant has been observed in individuals with Ehlers-Danlos Syndrome (PMID: 9683580). It has also been observed to segregate with disease in related individuals. This variant is present in population databases (rs765079080, gnomAD 0.0009%). This sequence change falls in intron 32 of the COL5A1 gene. It does not directly change the encoded amino acid sequence of the COL5A1 protein. RNA analysis indicates that this variant induces altered splicing and likely results in a shortened protein product.

Genetics and Molecular Pathology, SA Pathology
Classification: Pathogenic for Ehlers-Danlos syndrome, classic type, 1. Last evaluated: 2021-12-16. Review status: criteria provided, single submitter. Criteria: ACMG Guidelines, 2015. Collection method: clinical testing. Allele origin: germline. Inheritance: Autosomal dominant inheritance. Affected: yes.
Comment: The COL5A1 c.2701-25T>G variant is classified as a PATHOGENIC variant (PS3, PP1_strong, PP5, PM2) This variant is a single nucleotide change from a thymine to a guanine at position 2701-25 in intron 32 of the COL5A1 gene. This variant is located in an intronic branch site and has been shown to lead to exon 33 skipping in vitro (PMID: 9683580) (PS3). The variant has been reported in multiple individuals with Ehlers-Danlos syndrome (EDS), and it has been observed to segregate with EDS in two large multigenerational families (PMID: 9683580) (PP1_strong). The variant is in dbSNP (rs765079080) but is absent from population databases (PM2). The variant has been reported in ClinVar and HGMD disease databases as a pathogenic variant (PP5).

Blueprint Genetics
Classification: Pathogenic for COL5A1-related disorders. Last evaluated: 2019-05-01. Review status: criteria provided, single submitter. Criteria: ACMG Guidelines, 2015. Collection method: clinical testing. Allele origin: germline. Affected: yes. Observed: 1 variant allele.

OMIM
Classification: Pathogenic for EHLERS-DANLOS SYNDROME, CLASSIC TYPE, 1. Last evaluated: 1998-08-01. Review status: no assertion criteria provided. Collection method: literature only. Allele origin: germline. Not counted in ClinVar's aggregate classification.

Literature cited by the submitters: PubMed 9683580 (cited by 3 submitters).

NM_000093.5(COL5A1):c.2701-25T>G

Gene: COL5A1 (collagen type V alpha 1 chain; plus strand). Cytogenetic location: 9q34.3.
Variant type: single nucleotide variant.
Coding change: c.2701-25T>G on transcript NM_000093.5 (MANE Select); 25 bases into the intron before coding-DNA position 2701, T replaced by G.
Molecular consequence: intron variant.
Genome position (GRCh38, 1-based): chr9:134,795,057, T>G. VCF-style: chr9-134795057-T-G. GRCh37 (hg19) VCF-style: chr9-137686903-T-G.
Other names: IVS32AS, T-G, -25; c.2701-25T>G (NM_001278074.1).
Identifiers: ClinVar variation 17188 (VCV000017188.13), dbSNP rs765079080, ClinGen allele CA281068.